The following is an entry in ClinVar:

ClinVar aggregate classification (germline): Uncertain significance. Review status: criteria provided, multiple submitters, no conflicts (2 of 4 stars). 6 submissions from 5 submitters: Uncertain significance (6). Last evaluated 2026-01-02.

Conditions:
Cardiovascular phenotype. Identifiers: MedGen CN230736.
Catecholaminergic polymorphic ventricular tachycardia (CVPT). Also called: Catecholamine-induced polymorphic ventricular tachycardia. Identifiers: Orphanet 3286, MedGen C5574922, MONDO:0017990.
Cardiomyopathy (CMYO). Also called: Cardiomyopathies. Identifiers: Orphanet 167848, MedGen C0878544, MONDO:0004994, HP:0001638. Inheritance: Various modes of inheritance.
Arrhythmogenic right ventricular dysplasia 2. Identifiers: MedGen C1832931.
Catecholaminergic polymorphic ventricular tachycardia 1. Also called: VENTRICULAR TACHYCARDIA, CATECHOLAMINERGIC POLYMORPHIC, 1, WITH OR WITHOUT ATRIAL DYSFUNCTION AND/OR DILATED CARDIOMYOPATHY; RYR2-Related Catecholaminergic Polymorphic Ventricular Tachycardia; VENTRICULAR TACHYCARDIA, STRESS-INDUCED POLYMORPHIC 1. Identifiers: Orphanet 3286, MedGen C1631597, MONDO:0011484, OMIM 604772.

Allele frequency attached by ClinVar (database versions not stated): gnomAD 0.00001; gnomAD exomes 0.00001 and 0.00004; ExAC 0.00004; TOPMed 0.00002.
gnomAD v4.1: 25 of 1,613,828 alleles (0.0015%); highest among the groups gnomAD compares: Non-Finnish European, 0.00076%; no homozygotes.

Submissions (6):

Ambry Genetics
Classification: Uncertain significance for Cardiovascular phenotype. Last evaluated: 2026-01-02. Review status: criteria provided, single submitter. Criteria: Ambry Variant Classification Scheme 2023. Collection method: clinical testing. Allele origin: germline.
Comment: The p.R4135H variant (also known as c.12404G>A), located in coding exon 90 of the RYR2 gene, results from a G to A substitution at nucleotide position 12404. The arginine at codon 4135 is replaced by histidine, an amino acid with highly similar properties. This amino acid position is highly conserved in available vertebrate species. In addition, this alteration is predicted to be deleterious by in silico analysis. Based on the available evidence, the clinical significance of this variant remains unclear.

All of Us Research Program, National Institutes of Health
Classification: Uncertain significance for Catecholaminergic polymorphic ventricular tachycardia. Last evaluated: 2023-12-18. Review status: criteria provided, single submitter. Criteria: ACMG Guidelines, 2015. Collection method: clinical testing. Allele origin: germline. Inheritance: Autosomal dominant inheritance. Observed: 5 variant alleles, 5 heterozygotes.
Comment: This missense variant replaces arginine with histidine at codon 4135 of the RYR2 protein. Computational prediction suggests that this variant may have deleterious impact on protein structure and function (internally defined REVEL score threshold >= 0.7, PMID: 27666373). To our knowledge, functional studies have not been reported for this variant. This variant has not been reported in individuals affected with cardiovascular disorders in the literature. This variant has been identified in 10/248778 chromosomes in the general population by the Genome Aggregation Database (gnomAD). The available evidence is insufficient to determine the role of this variant in disease conclusively. Therefore, this variant is classified as a Variant of Uncertain Significance.

This study involves interpretation of variants in research participants for the purpose of population health screening. Participant phenotype was not available at the time of variant classification. Additional details can be found in publication PMID: 35346344, PMCID: PMC8962531

Color Diagnostics, LLC DBA Color Health
Classification: Uncertain significance for Cardiomyopathy. Last evaluated: 2023-11-28. Review status: criteria provided, single submitter. Criteria: ACMG Guidelines, 2015. Collection method: clinical testing. Allele origin: germline.
Comment: This missense variant replaces arginine with histidine at codon 4135 of the RYR2 protein. Computational prediction suggests that this variant may have deleterious impact on protein structure and function (internally defined REVEL score threshold >= 0.7, PMID: 27666373). To our knowledge, functional studies have not been reported for this variant. This variant has not been reported in individuals affected with cardiovascular disorders in the literature. This variant has been identified in 10/248778 chromosomes in the general population by the Genome Aggregation Database (gnomAD). The available evidence is insufficient to determine the role of this variant in disease conclusively. Therefore, this variant is classified as a Variant of Uncertain Significance.

Labcorp Genetics (formerly Invitae), Labcorp
Classification: Uncertain significance for Catecholaminergic polymorphic ventricular tachycardia 1. Last evaluated: 2023-07-25. Review status: criteria provided, single submitter. Criteria: Invitae Variant Classification Sherloc (09022015). Collection method: clinical testing. Allele origin: germline.
Comment: In summary, the available evidence is currently insufficient to determine the role of this variant in disease. Therefore, it has been classified as a Variant of Uncertain Significance. Advanced modeling of protein sequence and biophysical properties (such as structural, functional, and spatial information, amino acid conservation, physicochemical variation, residue mobility, and thermodynamic stability) performed at Invitae indicates that this missense variant is expected to disrupt RYR2 protein function. ClinVar contains an entry for this variant (Variation ID: 296761). This variant has not been reported in the literature in individuals affected with RYR2-related conditions. This variant is present in population databases (rs764202302, gnomAD 0.04%). This sequence change replaces arginine, which is basic and polar, with histidine, which is basic and polar, at codon 4135 of the RYR2 protein (p.Arg4135His).

Illumina Laboratory Services, Illumina
Classification: Uncertain significance for Catecholaminergic polymorphic ventricular tachycardia 1. Last evaluated: 2018-01-13. Review status: criteria provided, single submitter. Criteria: ICSL Variant Classification Criteria 13 December 2019. Collection method: clinical testing. Allele origin: germline.

Illumina Laboratory Services, Illumina
Classification: Uncertain significance for Catecholaminergic polymorphic ventricular tachycardia 1. Last evaluated: 2018-01-13. Review status: criteria provided, single submitter. Criteria: ICSL Variant Classification Criteria 13 December 2019. Collection method: clinical testing. Allele origin: germline.

NM_001035.3(RYR2):c.12404G>A (p.Arg4135His)

Genes: RYR2 (ryanodine receptor 2; plus strand), LOC126806068 (BRD4-independent group 4 enhancer GRCh37_chr1:237947411-237948610; plus strand). Cytogenetic location: 1q43.
Variant type: single nucleotide variant.
Coding change: c.12404G>A on transcript NM_001035.3 (MANE Select); coding-DNA position 12404, G replaced by A.
Protein change: p.Arg4135His; replaces arginine 4135 with histidine.
Molecular consequence: missense variant.
Genome position (GRCh38, 1-based): chr1:237,784,116, G>A. VCF-style: chr1-237784116-G-A. GRCh37 (hg19) VCF-style: chr1-237947416-G-A.
Other names: c.12404G>A, p.Arg4135His (LRG_402t1); short protein forms R4135H.
Identifiers: ClinVar variation 296761 (VCV000296761.18), dbSNP rs764202302, ClinGen allele CA085179.